The following is an entry in ClinVar:

ClinVar aggregate classification (germline): Uncertain significance (1 of 4 stars; one submission).

Conditions:
Dyskeratosis congenita. Identifiers: Orphanet 1775, MedGen C0265965, MONDO:0015780.

Submission:

Labcorp Genetics (formerly Invitae), Labcorp
Classification: Uncertain significance for Dyskeratosis congenita. Last evaluated: 2026-01-05. Review status: criteria provided, single submitter. Criteria: Invitae Variant Classification Sherloc (09022015). Collection method: clinical testing. Allele origin: germline.
Comment: This sequence change replaces threonine, which is neutral and polar, with arginine, which is basic and polar, at codon 199 of the CTC1 protein (p.Thr199Arg). This variant is not present in population databases (gnomAD no frequency). This variant has not been reported in the literature in individuals affected with CTC1-related conditions. ClinVar contains an entry for this variant (Variation ID: 1440699). Invitae Evidence Modeling of protein sequence and biophysical properties (such as structural, functional, and spatial information, amino acid conservation, physicochemical variation, residue mobility, and thermodynamic stability) indicates that this missense variant is not expected to disrupt CTC1 protein function with a negative predictive value of 80%. In summary, the available evidence is currently insufficient to determine the role of this variant in disease. Therefore, it has been classified as a Variant of Uncertain Significance.

NM_025099.6(CTC1):c.596C>G (p.Thr199Arg)

Gene: CTC1 (CST telomere replication complex component 1; minus strand). Cytogenetic location: 17p13.1.
Variant type: single nucleotide variant.
Coding change: c.596C>G on transcript NM_025099.6 (MANE Select); coding-DNA position 596, C replaced by G.
Protein change: p.Thr199Arg; replaces threonine 199 with arginine.
Molecular consequence: missense variant. On other transcripts: non-coding transcript variant (1).
Genome position (GRCh38, 1-based): chr17:8,238,082, G>C on the plus strand (C>G on the coding strand, the complement: CTC1 is on the minus strand). VCF-style: chr17-8238082-G-C. GRCh37 (hg19) VCF-style: chr17-8141400-G-C.
Other names: short protein forms T199R.
Identifiers: ClinVar variation 1440699 (VCV001440699.6), dbSNP rs747323535, ClinGen allele CA397992469.